The following is an entry in ClinVar:

NM_001079668.3(NKX2-1):c.420C>T (p.Gly140=)

Genes: NKX2-1 (NK2 homeobox 1; minus strand), SFTA3 (surfactant associated 3; minus strand). Cytogenetic location: 14q13.3.
Variant type: single nucleotide variant.
Coding change: c.420C>T on transcript NM_001079668.3 (MANE Select); coding-DNA position 420, C replaced by T.
Protein change: p.Gly140=; no amino-acid change (glycine 140 retained).
Molecular consequence: synonymous variant.
Genome position (GRCh38, 1-based): chr14:36,519,028, G>A on the plus strand (C>T on the coding strand, the complement: NKX2-1 is on the minus strand). VCF-style: chr14-36519028-G-A. GRCh37 (hg19) VCF-style: chr14-36988233-G-A.
Other names: c.330C>T, p.Gly110= (NM_003317.4).
Identifiers: ClinVar variation 2644180 (VCV002644180.24), dbSNP rs1437163022, ClinGen allele CA485914967.

ClinVar aggregate classification (germline): Likely benign (1 of 4 stars; one submission).

Submission:

CeGaT Center for Human Genetics Tuebingen
Classification: Likely benign. Last evaluated: 2024-09-01. Review status: criteria provided, single submitter. Criteria: CeGaT Center For Human Genetics Tuebingen Variant Classification Criteria Version 2. Collection method: clinical testing. Allele origin: germline. Affected: yes. Observed: 1 variant allele.
Comment: NKX2-1: BP4, BP7